The following is an entry in ClinVar:

ClinVar aggregate classification (germline): Likely benign (0 of 4 stars; one submission).

Conditions:
EPM2A-related disorder. Also called: EPM2A-related condition.

Allele frequency attached by ClinVar (database versions not stated): gnomAD 0.00001; TOPMed 0.00001; ExAC 0.00002.

Submission:

PreventionGenetics, part of Exact Sciences
Classification: Likely benign for EPM2A-related condition. Last evaluated: 2019-09-09. Review status: no assertion criteria provided. Collection method: clinical testing. Allele origin: germline.
Comment: This variant is classified as likely benign based on ACMG/AMP sequence variant interpretation guidelines (Richards et al. 2015 PMID: 25741868, with internal and published modifications).

NM_005670.4(EPM2A):c.*1731G>A

Gene: EPM2A (EPM2A glucan phosphatase, laforin; minus strand). Cytogenetic location: 6q24.3.
Variant type: single nucleotide variant.
Coding change: c.*1731G>A on transcript NM_005670.4 (MANE Select); 1731 bases downstream of the stop codon, G replaced by A.
Molecular consequence: 3 prime UTR variant. On other transcripts: non-coding transcript variant (1).
Genome position (GRCh38, 1-based): chr6:145,625,685, C>T on the plus strand (G>A on the coding strand, the complement: EPM2A is on the minus strand). VCF-style: chr6-145625685-C-T. GRCh37 (hg19) VCF-style: chr6-145946821-C-T.
Other names: c.*10G>A (NM_001018041.2); c.*1810G>A (NM_001360057.2); c.*1731G>A (NM_001360064.2, NM_001360071.2, NM_001368129.2 and 2 more transcripts).
Identifiers: ClinVar variation 3053538 (VCV003053538.2), dbSNP rs752896079, ClinGen allele CA4034997.